The following is an entry in ClinVar:

NM_000059.4(BRCA2):c.819A>G (p.Ser273=)

Gene: BRCA2 (BRCA2 DNA repair associated; plus strand). Cytogenetic location: 13q13.1.
Variant type: single nucleotide variant.
Coding change: c.819A>G on transcript NM_000059.4 (MANE Select); coding-DNA position 819, A replaced by G.
Protein change: p.Ser273=; no amino-acid change (serine 273 retained).
Molecular consequence: synonymous variant.
Genome position (GRCh38, 1-based): chr13:32,332,297, A>G. VCF-style: chr13-32332297-A-G. GRCh37 (hg19) VCF-style: chr13-32906434-A-G.
Identifiers: ClinVar variation 184667 (VCV000184667.13), dbSNP rs786201605, ClinGen allele CA025506.

ClinVar aggregate classification (germline): Likely benign. Review status: reviewed by expert panel (3 of 4 stars). 3 submissions from 3 submitters: Likely benign (1). 2 of the submissions do not count toward it. Last evaluated 2017-06-29.

Conditions:
Hereditary cancer-predisposing syndrome. Also called: Tumor predisposition; Hereditary Cancer Syndrome; Hereditary neoplastic syndrome; Neoplastic Syndromes, Hereditary. Identifiers: Orphanet 140162, MedGen C0027672, MeSH D009386, MONDO:0015356.
Hereditary breast ovarian cancer syndrome. Also called: Breast and ovarian cancer; Hereditary breast and ovarian cancer syndrome; Hereditary breast and ovarian cancer; BRCA1- and BRCA2-Associated Hereditary Breast and Ovarian Cancer; Hereditary breast and ovarian cancer syndrome (HBOC); Hereditary breast and/or ovarian cancer syndrome. Identifiers: Orphanet 145, MedGen C0677776, MeSH D061325, MONDO:0003582. Disease mechanism: loss of function.
Breast-ovarian cancer, familial, susceptibility to, 2 (BROVCA2). Also called: BRCA2 Hereditary Breast and Ovarian Cancer. Identifiers: Orphanet 145, MedGen C2675520, MONDO:0012933, OMIM 612555. Disease mechanism: loss of function.

Submissions (3):

Evidence-based Network for the Interpretation of Germline Mutant Alleles (ENIGMA)
Classification: Likely benign for Breast-ovarian cancer, familial, susceptibility to, 2. Last evaluated: 2017-06-29. Review status: reviewed by expert panel. Criteria: ENIGMA BRCA1/2 Classification Criteria (2017-06-29). Collection method: curation. Allele origin: germline.
Comment: Synonymous substitution variant, with low bioinformatic likelihood to result in a splicing aberration (Splicing prior probability 0.02).

Labcorp Genetics (formerly Invitae), Labcorp
Classification: Likely benign for Hereditary breast ovarian cancer syndrome. Last evaluated: 2021-02-18. Review status: criteria provided, single submitter. Criteria: Invitae Variant Classification Sherloc (09022015). Collection method: clinical testing. Allele origin: germline. Not counted in ClinVar's aggregate classification.

Ambry Genetics
Classification: Likely benign for Hereditary cancer-predisposing syndrome. Last evaluated: 2014-04-01. Review status: criteria provided, single submitter. Criteria: Ambry Autosomal Dominant and X-Linked criteria (10/2015). Collection method: clinical testing. Allele origin: germline. Observed: 1 variant allele. Not counted in ClinVar's aggregate classification.